The following is an entry in ClinVar:

ClinVar aggregate classification (germline): Uncertain significance (1 of 4 stars; one submission).

Submission:

Labcorp Genetics (formerly Invitae), Labcorp
Classification: Uncertain significance. Last evaluated: 2026-01-05. Review status: criteria provided, single submitter. Criteria: Invitae Variant Classification Sherloc (09022015). Collection method: clinical testing. Allele origin: germline.
Comment: This sequence change replaces lysine, which is basic and polar, with glutamic acid, which is acidic and polar, at codon 899 of the DMXL2 protein (p.Lys899Glu). This variant is not present in population databases (gnomAD no frequency). This variant has not been reported in the literature in individuals affected with DMXL2-related conditions. ClinVar contains an entry for this variant (Variation ID: 2069677). An algorithm developed to predict the effect of missense changes on protein structure and function (PolyPhen-2) suggests that this variant is likely to be disruptive. In summary, the available evidence is currently insufficient to determine the role of this variant in disease. Therefore, it has been classified as a Variant of Uncertain Significance.

NM_001378457.1(DMXL2):c.2695A>G (p.Lys899Glu)

Gene: DMXL2 (Dmx like 2; minus strand). Cytogenetic location: 15q21.2.
Variant type: single nucleotide variant.
Coding change: c.2695A>G on transcript NM_001378457.1 (MANE Select); coding-DNA position 2695, A replaced by G.
Protein change: p.Lys899Glu; replaces lysine 899 with glutamic acid.
Molecular consequence: missense variant. On other transcripts: non-coding transcript variant (2).
Genome position (GRCh38, 1-based): chr15:51,507,203, T>C on the plus strand (A>G on the coding strand, the complement: DMXL2 is on the minus strand). VCF-style: chr15-51507203-T-C. GRCh37 (hg19) VCF-style: chr15-51799400-T-C.
Other names: c.2695A>G, p.Lys899Glu (NM_001174116.3, NM_001174117.3, NM_001378458.1 and 6 more transcripts); c.2455A>G, p.Lys819Glu (NM_001378464.1); short protein forms K899E, K819E.
Identifiers: ClinVar variation 2069677 (VCV002069677.4), dbSNP rs1241622422, ClinGen allele CA392439334.
Genomic context (GRCh38, chr15:51,507,203, plus strand): 5'-CTTGTACAGATTTAAGATGAAGGTGCCACATATGCAGAATAGAGTTATTATTGCTGTCCT[T>C]CTCAATTACTACTAGAAAGAACTTTTCTGAAAATGGTGGTGGGCGGTATCCTATTATTCA-3'
Protein context (NP_001365386.1, residues 889-909): SEKFFLVVIE[Lys899Glu]DSNNNSILHM